The following is an entry in ClinVar:

NM_001369369.1(FOXN1):c.1454C>T (p.Pro485Leu)

Gene: FOXN1 (forkhead box N1; plus strand). Cytogenetic location: 17q11.2.
Variant type: single nucleotide variant.
Coding change: c.1454C>T on transcript NM_001369369.1 (MANE Select); coding-DNA position 1454, C replaced by T.
Protein change: p.Pro485Leu; replaces proline 485 with leucine.
Molecular consequence: missense variant.
Genome position (GRCh38, 1-based): chr17:28,535,025, C>T. VCF-style: chr17-28535025-C-T. GRCh37 (hg19) VCF-style: chr17-26862043-C-T.
Other names: c.1454C>T, p.Pro485Leu (NM_003593.3); short protein forms P485L.
Identifiers: ClinVar variation 641408 (VCV000641408.9), dbSNP rs374049334, ClinGen allele CA8459531.

ClinVar aggregate classification (germline): Uncertain significance. Review status: criteria provided, multiple submitters, no conflicts (2 of 4 stars). 3 submissions from 3 submitters: Uncertain significance (3). Last evaluated 2025-11-09.

Conditions:
T-cell immunodeficiency, congenital alopecia, and nail dystrophy. Also called: Congenital alopecia and nail dystrophy associated with severe functional T-cell immunodeficiency; Pignata Guarino syndrome. Identifiers: Orphanet 169095, MedGen C1866426, MONDO:0011132, OMIM 601705.

Allele frequency attached by ClinVar (database versions not stated): gnomAD exomes 0.00001 and 0.00006; ExAC 0.00008; TOPMed 0.00023; gnomAD 0.00025; 1000 Genomes Project 30x 0.00031; ESP Exome Variant Server 0.00038; 1000 Genomes Project 0.00040.

Submissions (3):

Labcorp Genetics (formerly Invitae), Labcorp
Classification: Uncertain significance for T-cell immunodeficiency, congenital alopecia, and nail dystrophy. Last evaluated: 2025-11-09. Review status: criteria provided, single submitter. Criteria: Invitae Variant Classification Sherloc (09022015). Collection method: clinical testing. Allele origin: germline.
Comment: This sequence change replaces proline, which is neutral and non-polar, with leucine, which is neutral and non-polar, at codon 485 of the FOXN1 protein (p.Pro485Leu). This variant is present in population databases (rs374049334, gnomAD 0.1%). This variant has not been reported in the literature in individuals affected with FOXN1-related conditions. ClinVar contains an entry for this variant (Variation ID: 641408). Invitae Evidence Modeling of protein sequence and biophysical properties (such as structural, functional, and spatial information, amino acid conservation, physicochemical variation, residue mobility, and thermodynamic stability) indicates that this missense variant is not expected to disrupt FOXN1 protein function with a negative predictive value of 80%. In summary, the available evidence is currently insufficient to determine the role of this variant in disease. Therefore, it has been classified as a Variant of Uncertain Significance.

Blueprint Genetics
Classification: Uncertain significance. Last evaluated: 2024-08-12. Review status: criteria provided, single submitter. Criteria: ACMG Guidelines, 2015. Collection method: clinical testing. Allele origin: germline.

Baylor Genetics
Classification: Uncertain significance for T-cell immunodeficiency, congenital alopecia, and nail dystrophy. Last evaluated: 2019-07-23. Review status: criteria provided, single submitter. Criteria: ACMG Guidelines, 2015. Collection method: clinical testing. Allele origin: unknown. Affected: yes.
Comment: This variant was determined to be of uncertain significance according to ACMG Guidelines, 2015 [PMID:25741868].